The following is an entry in ClinVar:

ClinVar aggregate classification (germline): Pathogenic (1 of 4 stars; one submission).

Conditions:
Neuromuscular disease caused by qualitative or quantitative defects of dysferlin. Also called: Qualitative or quantitative defects of dysferlin; Dysferlinopathy. Identifiers: Orphanet 207073, MedGen C2931687, MONDO:0016145.

Submission:

Labcorp Genetics (formerly Invitae), Labcorp
Classification: Pathogenic for Neuromuscular disease caused by qualitative or quantitative defects of dysferlin. Last evaluated: 2021-06-29. Review status: criteria provided, single submitter. Criteria: Invitae Variant Classification Sherloc (09022015). Collection method: clinical testing. Allele origin: germline.
Comment: For these reasons, this variant has been classified as Pathogenic. This sequence change creates a premature translational stop signal (p.Trp1339*) in the DYSF gene. It is expected to result in an absent or disrupted protein product. Loss-of-function variants in DYSF are known to be pathogenic (PMID: 17698709, 20301480). This variant is not present in population databases (ExAC no frequency). This variant has not been reported in the literature in individuals affected with DYSF-related conditions.

Literature cited by the submitters: PubMed 17698709; PubMed 20301480.

NM_001130987.2(DYSF):c.4071G>A (p.Trp1357Ter)

Gene: DYSF (dysferlin; plus strand). Cytogenetic location: 2p13.2.
Variant type: single nucleotide variant.
Coding change: c.4071G>A on transcript NM_001130987.2 (MANE Select); coding-DNA position 4071, G replaced by A.
Protein change: p.Trp1357Ter; replaces tryptophan 1357 with a stop codon.
Molecular consequence: nonsense.
Genome position (GRCh38, 1-based): chr2:71,611,476, G>A. VCF-style: chr2-71611476-G-A. GRCh37 (hg19) VCF-style: chr2-71838606-G-A.
Other names: c.4020G>A, p.Trp1340Ter (NM_001130455.2, NM_001130983.2); c.3975G>A, p.Trp1325Ter (NM_001130976.2, NM_001130977.2); c.4017G>A, p.Trp1339Ter (NM_001130978.2, NM_003494.4); c.4110G>A, p.Trp1370Ter (NM_001130979.2); c.4068G>A, p.Trp1356Ter (NM_001130980.2, NM_001130981.2); c.4113G>A, p.Trp1371Ter (NM_001130982.2); c.3978G>A, p.Trp1326Ter (NM_001130984.2, NM_001130986.2); c.4071G>A, p.Trp1357Ter (NM_001130985.2); short protein forms W1339*, W1340*, W1326*, W1370*, W1371*, W1356*, W1325*, W1357*.
Identifiers: ClinVar variation 1399018 (VCV001399018.6), dbSNP rs1424374529, ClinGen allele CA347228403.